The following is an entry in ClinVar:

ClinVar aggregate classification (germline): Likely benign. Review status: criteria provided, single submitter (1 of 4 stars). 2 submissions from 2 submitters: Likely benign (1). 1 of the submissions does not count toward it. Last evaluated 2018-03-29.

Conditions:
ABCB1-related disorder. Also called: ABCB1-related condition.

Allele frequency attached by ClinVar (database versions not stated): ESP Exome Variant Server 0.00031; gnomAD 0.00031 and 0.00034; TOPMed 0.00034; 1000 Genomes Project 0.00120; 1000 Genomes Project 30x 0.00125.
gnomAD v4.1: 448 of 1,613,572 alleles (0.028%); highest among the groups gnomAD compares: African/African-American, 0.063%; 1 homozygote.

Submissions (2):

Labcorp Genetics (formerly Invitae), Labcorp
Classification: Likely benign. Last evaluated: 2018-03-29. Review status: criteria provided, single submitter. Criteria: Invitae Variant Classification Sherloc (09022015). Collection method: clinical testing. Allele origin: germline.

PreventionGenetics, part of Exact Sciences
Classification: Likely benign for ABCB1-related condition. Last evaluated: 2019-06-06. Review status: no assertion criteria provided. Collection method: clinical testing. Allele origin: germline. Not counted in ClinVar's aggregate classification.
Comment: This variant is classified as likely benign based on ACMG/AMP sequence variant interpretation guidelines (Richards et al. 2015 PMID: 25741868, with internal and published modifications).

NM_001348946.2(ABCB1):c.738G>A (p.Ala246=)

Gene: ABCB1 (ATP binding cassette subfamily B member 1; minus strand). Cytogenetic location: 7q21.12.
Variant type: single nucleotide variant.
Coding change: c.738G>A on transcript NM_001348946.2 (MANE Select); coding-DNA position 738, G replaced by A.
Protein change: p.Ala246=; no amino-acid change (alanine 246 retained).
Molecular consequence: synonymous variant.
Genome position (GRCh38, 1-based): chr7:87,561,352, C>T on the plus strand (G>A on the coding strand, the complement: ABCB1 is on the minus strand). VCF-style: chr7-87561352-C-T. GRCh37 (hg19) VCF-style: chr7-87190668-C-T.
Other names: c.738G>A, p.Ala246= (NM_000927.5, NM_001348944.2); c.948G>A, p.Ala316= (NM_001348945.2).
Identifiers: ClinVar variation 736117 (VCV000736117.5), dbSNP rs28381867, ClinGen allele CA4328502.